The following is an entry in ClinVar:

ClinVar aggregate classification (germline): Uncertain significance (1 of 4 stars; one submission).

gnomAD v4.1: 1 of 1,372,732 alleles (0.000073%); highest among the groups gnomAD compares: African/African-American, 0.0015%; no homozygotes.

Submission:

GeneDx
Classification: Uncertain significance. Last evaluated: 2026-08-20. Review status: criteria provided, single submitter. Criteria: GeneDx Variant Classification Process June 2021. Collection method: clinical testing. Allele origin: germline.
Comment: Not observed at significant frequency in large population cohorts (gnomAD); In silico analysis does not support a benign or deleterious effect of this variant on protein structure/function; Has not been previously published as pathogenic or benign to our knowledge

NM_019066.5(MAGEL2):c.1450C>A (p.Pro484Thr)

Gene: MAGEL2 (MAGE family member L2; minus strand). Cytogenetic location: 15q11.2.
Variant type: single nucleotide variant.
Coding change: c.1450C>A on transcript NM_019066.5 (MANE Select); coding-DNA position 1450, C replaced by A.
Protein change: p.Pro484Thr; replaces proline 484 with threonine.
Molecular consequence: missense variant.
Genome position (GRCh38, 1-based): chr15:23,646,293, G>T on the plus strand (C>A on the coding strand, the complement: MAGEL2 is on the minus strand). VCF-style: chr15-23646293-G-T. GRCh37 (hg19) VCF-style: chr15-23891440-G-T.
Other names: short protein forms P484T.
Identifiers: ClinVar variation 3365633 (VCV003365633.2).